The following is an entry in ClinVar:

NM_001035.3(RYR2):c.14211T>C (p.Phe4737=)

Gene: RYR2 (ryanodine receptor 2; plus strand). Cytogenetic location: 1q43.
Variant type: single nucleotide variant.
Coding change: c.14211T>C on transcript NM_001035.3 (MANE Select); coding-DNA position 14211, T replaced by C.
Protein change: p.Phe4737=; no amino-acid change (phenylalanine 4737 retained).
Molecular consequence: synonymous variant.
Genome position (GRCh38, 1-based): chr1:237,806,196, T>C. VCF-style: chr1-237806196-T-C. GRCh37 (hg19) VCF-style: chr1-237969496-T-C.
Identifiers: ClinVar variation 3385878 (VCV003385878.1).
Genomic context (GRCh38, chr1:237,806,196, plus strand): 5'-GTCCTTCCTCTACCTAGCCTGGTATATGACTATGTCTGTTCTTGGACACTATAACAACTT[T>C]TTTTTTGCCGCTCACCTTCTCGACATTGCTATGGGATTCAAGACATTAAGAACCATCTTG-3'
Protein context (NP_001026.2, residues 4727-4747): TMSVLGHYNN[Phe4737=]FFAAHLLDIA

ClinVar aggregate classification (germline): Likely benign (1 of 4 stars; one submission).

Conditions:
Catecholaminergic polymorphic ventricular tachycardia (CVPT). Also called: Catecholamine-induced polymorphic ventricular tachycardia. Identifiers: Orphanet 3286, MedGen C5574922, MONDO:0017990.

Submission:

All of Us Research Program, National Institutes of Health
Classification: Likely benign for Catecholaminergic polymorphic ventricular tachycardia. Last evaluated: 2024-03-24. Review status: criteria provided, single submitter. Criteria: ACMG Guidelines, 2015. Collection method: clinical testing. Allele origin: germline. Inheritance: Autosomal dominant inheritance. Observed: 1 variant allele, 1 heterozygote.
Comment: This study involves interpretation of variants in research participants for the purpose of population health screening. Participant phenotype was not available at the time of variant classification. Additional details can be found in publication PMID: 35346344, PMCID: PMC8962531